The following is an entry in ClinVar:

ClinVar aggregate classification (germline): Uncertain significance (1 of 4 stars; one submission).

Conditions:
Immunodeficiency, common variable, 2 (CVID2). Also called: ANTIBODY DEFICIENCY DUE TO TACI DEFECT; HYPOGAMMAGLOBULINEMIA DUE TO TACI DEFICIENCY. Identifiers: Orphanet 1572, MedGen C3150354, MONDO:0009413, OMIM 240500.

Submission:

Labcorp Genetics (formerly Invitae), Labcorp
Classification: Uncertain significance for Immunodeficiency, common variable, 2. Last evaluated: 2022-02-03. Review status: criteria provided, single submitter. Criteria: Invitae Variant Classification Sherloc (09022015). Collection method: clinical testing. Allele origin: germline.
Comment: In summary, the available evidence is currently insufficient to determine the role of this variant in disease. Therefore, it has been classified as a Variant of Uncertain Significance. Experimental studies and prediction algorithms are not available or were not evaluated, and the functional significance of this variant is currently unknown. This variant has not been reported in the literature in individuals affected with TNFRSF13B-related conditions. This variant results in a copy number gain of the genomic region encompassing exon(s) 4-5 of the TNFRSF13B gene. This region includes the termination codon of the gene. This copy number gain extends beyond the assayed region for this gene and therefore may encompass additional genes. As the precise location of this event is unknown, it may be in tandem or it may be located elsewhere in the genome.

NC_000017.10:g.(?_16842861)_(16843845_?)dup

Gene: TNFRSF13B (TNF receptor superfamily member 13B; minus strand). Cytogenetic location: 17p11.2.
Variant type: Duplication.
Identifiers: ClinVar variation 2425819 (VCV002425819.4).